The following is an entry in ClinVar:

NM_001908.5(CTSB):c.18C>G (p.Ala6=)

Genes: CTSB (cathepsin B), LOC121268921 (Sharpr-MPRA regulatory region 10233). Cytogenetic location: 8p23.1.
Variant type: single nucleotide variant.
Coding change: c.18C>G on transcript NM_001908.5 (MANE Select); coding-DNA position 18, C replaced by G.
Protein change: p.Ala6=; no amino-acid change (alanine 6 retained).
Molecular consequence: synonymous variant. On other transcripts: 5 prime UTR variant (1).
Genome position (GRCh38, 1-based): chr8:11,853,437, G>C on the plus strand (C>G on the coding strand, the complement: CTSB is on the minus strand). VCF-style: chr8-11853437-G-C. GRCh37 (hg19) VCF-style: chr8-11710946-G-C.
Other names: c.18C>G (NM_001908.4); c.-236C>G (NM_001317237.2); c.18C>G, p.Ala6= (NM_001384714.1, NM_001384723.1, NM_001384724.1 and 8 more transcripts).
Identifiers: ClinVar variation 1657391 (VCV001657391.24), dbSNP rs138246733, ClinGen allele CA4633232.

ClinVar aggregate classification (germline): Likely benign. Review status: criteria provided, multiple submitters, no conflicts (2 of 4 stars). 3 submissions from 3 submitters: Likely benign (2). 1 of the submissions does not count toward it. Last evaluated 2024-11-01.

Conditions:
CTSB-related disorder. Also called: CTSB-related condition.

Allele frequency attached by ClinVar (database versions not stated): gnomAD 0.00019; TOPMed 0.00019; ESP Exome Variant Server 0.00046.
gnomAD v4.1: 399 of 1,611,962 alleles (0.025%); highest among the groups gnomAD compares: Non-Finnish European, 0.032%; no homozygotes.

Submissions (3):

CeGaT Center for Human Genetics Tuebingen
Classification: Likely benign. Last evaluated: 2024-11-01. Review status: criteria provided, single submitter. Criteria: CeGaT Center For Human Genetics Tuebingen Variant Classification Criteria Version 2. Collection method: clinical testing. Allele origin: germline. Affected: yes. Observed: 1 variant allele.
Comment: CTSB: BP4, BP7

Labcorp Genetics (formerly Invitae), Labcorp
Classification: Likely benign. Last evaluated: 2023-04-05. Review status: criteria provided, single submitter. Criteria: Invitae Variant Classification Sherloc (09022015). Collection method: clinical testing. Allele origin: germline.

PreventionGenetics, part of Exact Sciences
Classification: Likely benign for CTSB-related condition. Last evaluated: 2021-12-24. Review status: no assertion criteria provided. Collection method: clinical testing. Allele origin: germline. Not counted in ClinVar's aggregate classification.
Comment: This variant is classified as likely benign based on ACMG/AMP sequence variant interpretation guidelines (Richards et al. 2015 PMID: 25741868, with internal and published modifications).